The following is an entry in ClinVar:

NM_153717.3(EVC):c.2674G>A (p.Glu892Lys)

Gene: EVC (EvC ciliary complex subunit 1; plus strand). Cytogenetic location: 4p16.2.
Variant type: single nucleotide variant.
Coding change: c.2674G>A on transcript NM_153717.3 (MANE Select); coding-DNA position 2674, G replaced by A.
Protein change: p.Glu892Lys; replaces glutamic acid 892 with lysine.
Molecular consequence: missense variant.
Genome position (GRCh38, 1-based): chr4:5,808,313, G>A. VCF-style: chr4-5808313-G-A. GRCh37 (hg19) VCF-style: chr4-5810040-G-A.
Other names: c.2674G>A, p.Glu892Lys (NM_001306090.2); short protein forms E892K.
Identifiers: ClinVar variation 5003480 (VCV005003480.1).

ClinVar aggregate classification (germline): Uncertain significance (1 of 4 stars; one submission).

Conditions:
Ellis-van Creveld syndrome (EVC). Also called: Chondroectodermal dysplasia; MESOECTODERMAL DYSPLASIA. Identifiers: Orphanet 289, MedGen C0013903, MONDO:0009162, OMIM 225500.

gnomAD v4.1: 1 of 1,614,228 alleles (0.000062%); highest among the groups gnomAD compares: Non-Finnish European, 0.000085%; no homozygotes.

Submission:

Myriad Genetics, Inc.
Classification: Uncertain significance for Ellis-van Creveld syndrome. Last evaluated: 2026-08-27. Review status: criteria provided, single submitter. Criteria: Myriad Autosomal Dominant, Autosomal Recessive and X-Linked Classification Criteria (2023). Collection method: clinical testing. Allele origin: unknown.
Comment: NM_153717.2(EVC):c.2674G>A(E892K) is a missense variant classified as a variant of uncertain significance in the context of EVC-related Ellis-van Creveld syndrome. E892K has not been observed in cases with relevant disease. Relevant functional assessments of this variant are not available in the literature. E892K has been observed in referenced population frequency databases. In summary, there is insufficient evidence to classify NM_153717.2(EVC):c.2674G>A(E892K) as pathogenic or benign. Please note: this variant was assessed in the context of healthy population screening.